The following is an entry in ClinVar:

NM_015447.4(CAMSAP1):c.3130C>T (p.Gln1044Ter)

Gene: CAMSAP1 (calmodulin regulated spectrin associated protein 1; minus strand). Cytogenetic location: 9q34.3.
Variant type: single nucleotide variant.
Coding change: c.3130C>T on transcript NM_015447.4 (MANE Select); coding-DNA position 3130, C replaced by T.
Protein change: p.Gln1044Ter; replaces glutamine 1044 with a stop codon.
Molecular consequence: nonsense.
Genome position (GRCh38, 1-based): chr9:135,821,531, G>A on the plus strand (C>T on the coding strand, the complement: CAMSAP1 is on the minus strand). VCF-style: chr9-135821531-G-A. GRCh37 (hg19) VCF-style: chr9-138713377-G-A.
Other names: short protein forms Q1044*.
Identifiers: ClinVar variation 972932 (VCV000972932.29), dbSNP rs1835459356, ClinGen allele CA375503905.

ClinVar aggregate classification (germline): Likely pathogenic. Review status: criteria provided, single submitter (1 of 4 stars). 2 submissions from 2 submitters: Likely pathogenic (1). 1 of the submissions does not count toward it. Last evaluated 2022-09-15.

Conditions:
Cortical dysplasia, complex, with other brain malformations 12 (CDCBM12). Identifiers: MedGen C5830407, MONDO:0957217, OMIM 620316.
CAMSAP1-related neuronal migration disorder.

Submissions (2):

Rare Disease Group, University of Exeter
Classification: Likely pathogenic for CAMSAP1-related neuronal migration disorder. Last evaluated: 2022-09-15. Review status: criteria provided, single submitter. Criteria: ACMG Guidelines, 2015. Collection method: research. Allele origin: inherited. Inheritance: Autosomal recessive inheritance. Affected: yes. Observed: 1 variant allele.

OMIM
Classification: Pathogenic for CORTICAL DYSPLASIA, COMPLEX, WITH OTHER BRAIN MALFORMATIONS 12. Last evaluated: 2023-04-07. Review status: no assertion criteria provided. Collection method: literature only. Allele origin: germline. Not counted in ClinVar's aggregate classification.

Literature cited by the submitters: PubMed 36283405 (cited by OMIM).